The following is an entry in ClinVar:

ClinVar aggregate classification (germline): Benign (1 of 4 stars; one submission).

gnomAD v4.1: 21,236 of 1,613,102 alleles (1.3%); highest among the groups gnomAD compares: Middle Eastern, 2%; 182 homozygotes.

Submission:

CeGaT Center for Human Genetics Tuebingen
Classification: Benign. Last evaluated: 2025-05-01. Review status: criteria provided, single submitter. Criteria: CeGaT Center For Human Genetics Tuebingen Variant Classification Criteria Version 2. Collection method: clinical testing. Allele origin: germline. Affected: yes. Observed: 1 variant allele.
Comment: UTP20: BP4, BP7, BS1, BS2

NM_014503.3(UTP20):c.2160G>A (p.Pro720=)

Gene: UTP20 (UTP20 small subunit processome component; plus strand). Cytogenetic location: 12q23.2.
Variant type: single nucleotide variant.
Coding change: c.2160G>A on transcript NM_014503.3 (MANE Select); coding-DNA position 2160, G replaced by A.
Protein change: p.Pro720=; no amino-acid change (proline 720 retained).
Molecular consequence: synonymous variant.
Genome position (GRCh38, 1-based): chr12:101,309,768, G>A. VCF-style: chr12-101309768-G-A. GRCh37 (hg19) VCF-style: chr12-101703546-G-A.
Identifiers: ClinVar variation 3904800 (VCV003904800.10).